The following is an entry in ClinVar:

ClinVar aggregate classification (germline): Pathogenic (1 of 4 stars; one submission).

Conditions:
Congenital myasthenic syndrome (CMS). Also called: Congenital Myasthenic Syndromes. Identifiers: Orphanet 590, MedGen C0751882, MeSH D020294, MONDO:0018940.

Submission:

Myriad Genetics, Inc.
Classification: Pathogenic for Congenital myasthenic syndrome. Last evaluated: 2025-11-19. Review status: criteria provided, single submitter. Criteria: Myriad Autosomal Dominant, Autosomal Recessive and X-Linked Classification Criteria (2023). Collection method: clinical testing. Allele origin: unknown.
Comment: NM_000080.3(CHRNE):c.638_644del7(V213Afs*85) is expected to be pathogenic in the context of congenital myasthenic syndrome, CHRNE-related. This variant is predicted to lead to an abnormal or absent protein product due to the creation of a premature termination codon in CHRNE, a gene where loss-of-function variants are known to be pathogenic. Please note: this variant was assessed in the context of healthy population screening.

NM_000080.4(CHRNE):c.638_644del (p.Val213fs)

Genes: C17orf107 (chromosome 17 open reading frame 107; plus strand), CHRNE (cholinergic receptor nicotinic epsilon subunit; minus strand). Cytogenetic location: 17p13.2.
Variant type: Deletion.
Coding change: c.638_644del on transcript NM_000080.4 (MANE Select); coding-DNA positions 638 to 644, 7 bases deleted (TGATCCG; older notation c.638_644delTGATCCG).
Protein change: p.Val213fs; shifts the reading frame from valine 213.
Molecular consequence: frameshift variant. On other transcripts: 3 prime UTR variant (1).
Genome position (GRCh38, 1-based): chr17:4,901,148-4,901,154, CGGATCA deleted on the plus strand (TGATCCG on the coding strand, the reverse complement: CHRNE is on the minus strand); deleting any 7 consecutive bases within chr17:4,901,148-4,901,155 gives the same sequence; the c. name uses the placement nearest the transcript's 3' end. VCF-style (leftmost placement, unchanged base first): chr17-4901147-GCGGATCA-G. GRCh37 (hg19) VCF-style: chr17-4804442-GCGGATCA-G.
Other names: c.*616_*622del (NM_001145536.2); short protein forms V213fs.
Identifiers: ClinVar variation 5015243 (VCV005015243.1).